The following is an entry in ClinVar:

NM_007357.3(COG2):c.2038G>A (p.Gly680Ser)

Gene: COG2 (component of oligomeric golgi complex 2; plus strand). Cytogenetic location: 1q42.2.
Variant type: single nucleotide variant.
Coding change: c.2038G>A on transcript NM_007357.3 (MANE Select); coding-DNA position 2038, G replaced by A.
Protein change: p.Gly680Ser; replaces glycine 680 with serine.
Molecular consequence: missense variant.
Genome position (GRCh38, 1-based): chr1:230,691,487, G>A. VCF-style: chr1-230691487-G-A. GRCh37 (hg19) VCF-style: chr1-230827233-G-A.
Other names: c.2035G>A, p.Gly679Ser (NM_001145036.2); short protein forms G679S, G680S.
Identifiers: ClinVar variation 4805568 (VCV004805568.1).
Genomic context (GRCh38, chr1:230,691,487, plus strand): 5'-ATGGAAGAGAGCCTGAAAAGGCTGAAACAAGCCAGAAAAACCACTCCCGCCAACCCCGTC[G>A]GTCCCAGTGGTGGCATGAGCGACGACGACAAAATCAGGCTGCAGTTGGCCCTAGATGTTG-3'
Protein context (NP_031383.1, residues 670-690): ARKTTPANPV[Gly680Ser]PSGGMSDDDK

ClinVar aggregate classification (germline): Uncertain significance (1 of 4 stars; one submission).

Conditions:
Congenital disorder of glycosylation, type IIq. Also called: CDG IIq. Identifiers: Orphanet 435934, MedGen C4479353, MONDO:0054559, OMIM 617395.

gnomAD v4.1: 58 of 1,614,004 alleles (0.0036%); highest among the groups gnomAD compares: Admixed American, 0.022%; 1 homozygote.

Submission:

Labcorp Genetics (formerly Invitae), Labcorp
Classification: Uncertain significance for Congenital disorder of glycosylation, type IIq. Last evaluated: 2025-06-24. Review status: criteria provided, single submitter. Criteria: Invitae Variant Classification Sherloc (09022015). Collection method: clinical testing. Allele origin: germline.
Comment: This sequence change replaces glycine, which is neutral and non-polar, with serine, which is neutral and polar, at codon 680 of the COG2 protein (p.Gly680Ser). This variant is present in population databases (rs372794676, gnomAD 0.01%). This variant has not been reported in the literature in individuals affected with COG2-related conditions. Invitae Evidence Modeling of protein sequence and biophysical properties (such as structural, functional, and spatial information, amino acid conservation, physicochemical variation, residue mobility, and thermodynamic stability) indicates that this missense variant is not expected to disrupt COG2 protein function with a negative predictive value of 80%. In summary, the available evidence is currently insufficient to determine the role of this variant in disease. Therefore, it has been classified as a Variant of Uncertain Significance.